The following is an entry in ClinVar:

ClinVar aggregate classification (germline): Pathogenic (1 of 4 stars; one submission).

Conditions:
Pheochromocytoma/paraganglioma syndrome 1. Also called: PARAGANGLIOMATA; Paragangliomas 1; Glomus tumors familial 1; PARAGANGLIOMAS, FAMILIAL NONCHROMAFFIN, 1; PGL 1; Paragangliomas familial 1. Identifiers: Orphanet 29072, MedGen C3494181, MONDO:0008192, OMIM 168000.

Submission:

Myriad Genetics, Inc.
Classification: Pathogenic for Pheochromocytoma/paraganglioma syndrome 1. Last evaluated: 2023-11-03. Review status: criteria provided, single submitter. Criteria: Myriad Autosomal Dominant, Autosomal Recessive and X-Linked Classification Criteria (2023). Collection method: clinical testing. Allele origin: unknown.
Comment: This variant is considered pathogenic. This variant creates a termination codon and is predicted to result in premature protein truncation.

NM_003002.4(SDHD):c.395C>G (p.Ser132Ter)

Gene: SDHD (succinate dehydrogenase complex subunit D; plus strand). Cytogenetic location: 11q23.1.
Variant type: single nucleotide variant.
Coding change: c.395C>G on transcript NM_003002.4 (MANE Select); coding-DNA position 395, C replaced by G.
Protein change: p.Ser132Ter; replaces serine 132 with a stop codon.
Molecular consequence: nonsense. On other transcripts: missense variant (1), 3 prime UTR variant (1), non-coding transcript variant (1).
Genome position (GRCh38, 1-based): chr11:112,094,885, C>G. VCF-style: chr11-112094885-C-G. GRCh37 (hg19) VCF-style: chr11-111965609-C-G.
Other names: c.250C>G, p.Gln84Glu (NM_001276503.2); c.278C>G, p.Ser93Ter (NM_001276504.2); c.*93C>G (NM_001276506.2); short protein forms Q84E, S132*, S93*.
Identifiers: ClinVar variation 2673996 (VCV002673996.1), dbSNP rs2498917523, ClinGen allele CA382619191.